The following is an entry in ClinVar:

NM_005359.6(SMAD4):c.384G>A (p.Val128=)

Gene: SMAD4 (SMAD family member 4; plus strand). Cytogenetic location: 18q21.2.
Variant type: single nucleotide variant.
Coding change: c.384G>A on transcript NM_005359.6 (MANE Select); coding-DNA position 384, G replaced by A.
Protein change: p.Val128=; no amino-acid change (valine 128 retained).
Molecular consequence: synonymous variant.
Genome position (GRCh38, 1-based): chr18:51,048,820, G>A. VCF-style: chr18-51048820-G-A. GRCh37 (hg19) VCF-style: chr18-48575190-G-A.
Identifiers: ClinVar variation 507775 (VCV000507775.3), dbSNP rs1555685184, ClinGen allele CA503873610.

ClinVar aggregate classification (germline): Likely benign. Review status: criteria provided, multiple submitters, no conflicts (2 of 4 stars). 2 submissions from 2 submitters: Likely benign (2). Last evaluated 2019-04-03.

Conditions:
Hereditary cancer-predisposing syndrome. Also called: Hereditary neoplastic syndrome; Hereditary Cancer Syndrome; Neoplastic Syndromes, Hereditary; Tumor predisposition. Identifiers: Orphanet 140162, MedGen C0027672, MeSH D009386, MONDO:0015356.

Submissions (2):

Color Diagnostics, LLC DBA Color Health
Classification: Likely benign for Hereditary cancer-predisposing syndrome. Last evaluated: 2019-04-03. Review status: criteria provided, single submitter. Criteria: ACMG Guidelines, 2015. Collection method: clinical testing. Allele origin: germline.

GeneDx
Classification: Likely benign. Last evaluated: 2017-02-24. Review status: criteria provided, single submitter. Criteria: GeneDx Variant Classification (06012015). Collection method: clinical testing. Allele origin: germline. Affected: yes.
Comment: This variant is considered likely benign or benign based on one or more of the following criteria: it is a conservative change, it occurs at a poorly conserved position in the protein, it is predicted to be benign by multiple in silico algorithms, and/or has population frequency not consistent with disease.